The following is an entry in ClinVar:

NM_004281.4(BAG3):c.1468A>G (p.Ile490Val)

Gene: BAG3 (BAG cochaperone 3; plus strand). Cytogenetic location: 10q26.11.
Variant type: single nucleotide variant.
Coding change: c.1468A>G on transcript NM_004281.4 (MANE Select); coding-DNA position 1468, A replaced by G.
Protein change: p.Ile490Val; replaces isoleucine 490 with valine.
Molecular consequence: missense variant.
Genome position (GRCh38, 1-based): chr10:119,677,022, A>G. VCF-style: chr10-119677022-A-G. GRCh37 (hg19) VCF-style: chr10-121436534-A-G.
Other names: short protein forms I490V.
Identifiers: ClinVar variation 4795055 (VCV004795055.1), dbSNP rs753370524.

ClinVar aggregate classification (germline): Uncertain significance (1 of 4 stars; one submission).

Conditions:
Myofibrillar myopathy 6. Identifiers: Orphanet 199340, MedGen C2751831, MONDO:0013061, OMIM 612954.
Dilated cardiomyopathy 1HH (CMD1HH). Identifiers: Orphanet 154, MedGen C3151293, MONDO:0013479, OMIM 613881.

gnomAD v4.1: 2 of 1,614,210 alleles (0.00012%); highest among the groups gnomAD compares: East Asian, 0.0022%; no homozygotes.

Submission:

Labcorp Genetics (formerly Invitae), Labcorp
Classification: Uncertain significance for Dilated cardiomyopathy 1HH; Myofibrillar myopathy 6. Last evaluated: 2025-06-14. Review status: criteria provided, single submitter. Criteria: Invitae Variant Classification Sherloc (09022015). Collection method: clinical testing. Allele origin: germline.
Comment: This sequence change replaces isoleucine, which is neutral and non-polar, with valine, which is neutral and non-polar, at codon 490 of the BAG3 protein (p.Ile490Val). This variant is present in population databases (rs753370524, gnomAD 0.006%). This variant has not been reported in the literature in individuals affected with BAG3-related conditions. Invitae Evidence Modeling of protein sequence and biophysical properties (such as structural, functional, and spatial information, amino acid conservation, physicochemical variation, residue mobility, and thermodynamic stability) has been performed for this missense variant. However, the output from this modeling did not meet the statistical confidence thresholds required to predict the impact of this variant on BAG3 protein function. In summary, the available evidence is currently insufficient to determine the role of this variant in disease. Therefore, it has been classified as a Variant of Uncertain Significance.